The following is an entry in ClinVar:

ClinVar aggregate classification (germline): Uncertain significance. Review status: criteria provided, multiple submitters, no conflicts (2 of 4 stars). 2 submissions from 2 submitters: Uncertain significance (2). Last evaluated 2024-05-06.

gnomAD v4.1: 15 of 1,613,654 alleles (0.00093%); highest among the groups gnomAD compares: Admixed American, 0.0017%; no homozygotes.

Submissions (2):

Women's Health and Genetics/Laboratory Corporation of America, LabCorp
Classification: Uncertain significance. Last evaluated: 2024-05-06. Review status: criteria provided, single submitter. Criteria: LabCorp Variant Classification Summary - May 2015. Collection method: clinical testing. Allele origin: germline.
Comment: Variant summary: PCLO c.4346A>G (p.Gln1449Arg) results in a conservative amino acid change in the encoded protein sequence. Five of five in-silico tools predict a benign effect of the variant on protein function. The variant allele was found at a frequency of 8e-06 in 248840 control chromosomes. The available data on variant occurrences in the general population are insufficient to allow any conclusion about variant significance. To our knowledge, no occurrence of c.4346A>G in individuals affected with Pontocerebellar Hypoplasia Type 3 and no experimental evidence demonstrating its impact on protein function have been reported. No submitters have cited clinical-significance assessments for this variant to ClinVar. Based on the evidence outlined above, the variant was classified as uncertain significance.

Labcorp Genetics (formerly Invitae), Labcorp
Classification: Uncertain significance. Last evaluated: 2024-02-29. Review status: criteria provided, single submitter. Criteria: Invitae Variant Classification Sherloc (09022015). Collection method: clinical testing. Allele origin: germline.
Comment: This sequence change replaces glutamine, which is neutral and polar, with arginine, which is basic and polar, at codon 1449 of the PCLO protein (p.Gln1449Arg). This variant is present in population databases (no rsID available, gnomAD 0.002%). This variant has not been reported in the literature in individuals affected with PCLO-related conditions. Algorithms developed to predict the effect of missense changes on protein structure and function output the following: SIFT: "Not Available"; PolyPhen-2: "Not Available"; Align-GVGD: "Not Available". The arginine amino acid residue is found in multiple mammalian species, which suggests that this missense change does not adversely affect protein function. In summary, the available evidence is currently insufficient to determine the role of this variant in disease. Therefore, it has been classified as a Variant of Uncertain Significance.

NM_033026.6(PCLO):c.4346A>G (p.Gln1449Arg)

Gene: PCLO (piccolo presynaptic cytomatrix protein; minus strand). Cytogenetic location: 7q21.11.
Variant type: single nucleotide variant.
Coding change: c.4346A>G on transcript NM_033026.6 (MANE Select); coding-DNA position 4346, A replaced by G.
Protein change: p.Gln1449Arg; replaces glutamine 1449 with arginine.
Molecular consequence: missense variant.
Genome position (GRCh38, 1-based): chr7:82,956,607, T>C on the plus strand (A>G on the coding strand, the complement: PCLO is on the minus strand). VCF-style: chr7-82956607-T-C. GRCh37 (hg19) VCF-style: chr7-82585923-T-C.
Other names: c.4346A>G, p.Gln1449Arg (NM_014510.3); short protein forms Q1449R.
Identifiers: ClinVar variation 3336178 (VCV003336178.3).
Genomic context (GRCh38, chr7:82,956,607, plus strand): 5'-TTGATCTCCTCTTCTGAAATAGTAATTTCCAAGGTTTCAGATAAACTCTGAGTTTTCTCT[T>C]GGTCTTTAGGCTGTTCAGGAGAAACTTCATGGGGTTGTGTTTTCTTTTCTGACTTTTCAT-3'
Protein context (NP_149015.2, residues 1439-1459): HEVSPEQPKD[Gln1449Arg]EKTQSLSETL